The following is an entry in ClinVar:

ClinVar aggregate classification (germline): Uncertain significance. Review status: criteria provided, multiple submitters, no conflicts (2 of 4 stars). 2 submissions from 2 submitters: Uncertain significance (2). Last evaluated 2024-11-10.

Conditions:
Idiopathic Pulmonary Fibrosis. Also called: Idiopathic fibrosing alveolitis, chronic form; idiopathic fibrosing alveolitis. Identifiers: Orphanet 2032, MedGen C1800706, MeSH D054990, MONDO:0800504.
Dyskeratosis congenita, autosomal dominant 2. Identifiers: MedGen C3151443, MONDO:0013521, OMIM 613989.
Dyskeratosis congenita. Identifiers: Orphanet 1775, MedGen C0265965, MONDO:0015780.

Submissions (2):

Ambry Genetics
Classification: Uncertain significance for Dyskeratosis congenita. Last evaluated: 2024-11-10. Review status: criteria provided, single submitter. Criteria: Ambry Variant Classification Scheme 2023. Collection method: clinical testing. Allele origin: germline.
Comment: The p.A1114V variant (also known as c.3341C>T), located in coding exon 16 of the TERT gene, results from a C to T substitution at nucleotide position 3341. The alanine at codon 1114 is replaced by valine, an amino acid with similar properties. This amino acid position is conserved. In addition, this alteration is predicted to be tolerated by in silico analysis. Based on the available evidence, the clinical significance of this variant remains unclear.

Labcorp Genetics (formerly Invitae), Labcorp
Classification: Uncertain significance for Dyskeratosis congenita, autosomal dominant 2; Idiopathic Pulmonary Fibrosis. Last evaluated: 2024-07-03. Review status: criteria provided, single submitter. Criteria: Invitae Variant Classification Sherloc (09022015). Collection method: clinical testing. Allele origin: germline.
Comment: This sequence change replaces alanine, which is neutral and non-polar, with valine, which is neutral and non-polar, at codon 1114 of the TERT protein (p.Ala1114Val). This variant is not present in population databases (gnomAD no frequency). This variant has not been reported in the literature in individuals affected with TERT-related conditions. Advanced modeling of protein sequence and biophysical properties (such as structural, functional, and spatial information, amino acid conservation, physicochemical variation, residue mobility, and thermodynamic stability) has been performed at Invitae for this missense variant, however the output from this modeling did not meet the statistical confidence thresholds required to predict the impact of this variant on TERT protein function. In summary, the available evidence is currently insufficient to determine the role of this variant in disease. Therefore, it has been classified as a Variant of Uncertain Significance.

NM_198253.3(TERT):c.3341C>T (p.Ala1114Val)

Gene: TERT (telomerase reverse transcriptase; minus strand). Cytogenetic location: 5p15.33.
Variant type: single nucleotide variant.
Coding change: c.3341C>T on transcript NM_198253.3 (MANE Select); coding-DNA position 3341, C replaced by T.
Protein change: p.Ala1114Val; replaces alanine 1114 with valine.
Molecular consequence: missense variant. On other transcripts: non-coding transcript variant (2).
Genome position (GRCh38, 1-based): chr5:1,253,786, G>A on the plus strand (C>T on the coding strand, the complement: TERT is on the minus strand). VCF-style: chr5-1253786-G-A. GRCh37 (hg19) VCF-style: chr5-1253901-G-A.
Other names: c.3152C>T, p.Ala1051Val (NM_001193376.3); c.3341C>T, p.Ala1114Val (NM_003219.1); short protein forms A1114V, A1051V.
Identifiers: ClinVar variation 2934903 (VCV002934903.4), dbSNP rs2126557105, ClinGen allele CA359066726.